The following is an entry in ClinVar:

ClinVar aggregate classification (germline): Conflicting classifications of pathogenicity. Review status: criteria provided, conflicting classifications (1 of 4 stars). 3 submissions from 3 submitters: Uncertain significance (2); Likely benign (1). Last evaluated 2023-03-31.

Allele frequency attached by ClinVar (database versions not stated): gnomAD 0.00004 and 0.00005; gnomAD exomes 0.00004 and 0.00008; TOPMed 0.00006; ExAC 0.00007; 1000 Genomes Project 30x 0.00016; 1000 Genomes Project 0.00020.
gnomAD v4.1: 60 of 1,613,262 alleles (0.0037%); highest among the groups gnomAD compares: East Asian, 0.12%; no homozygotes.

Submissions (3):

Blueprint Genetics
Classification: Likely benign. Last evaluated: 2023-03-31. Review status: criteria provided, single submitter. Criteria: ACMG Guidelines, 2015. Collection method: clinical testing. Allele origin: germline.

Laboratory for Molecular Medicine, Mass General Brigham Personalized Medicine
Classification: Uncertain significance. Last evaluated: 2015-08-07. Review status: criteria provided, single submitter. Criteria: LMM Criteria. Collection method: clinical testing. Allele origin: germline. Observed: 2 variant alleles.
Comment: The p. Arg4961Cys variant has been identified in 7/8582 of East Asian chromosomes by th e Exome Aggregation Consortium (ExAC). Computati onal prediction tools and conservation analysis are limited or unavailable for t his variant. In summary, the clinical significance of the p.Arg4961Cys variant i s uncertain.

GeneDx
Classification: Uncertain significance. Last evaluated: 2014-01-08. Review status: criteria provided, single submitter. Criteria: GeneDx Variant Classification (06012015). Collection method: clinical testing. Allele origin: germline. Affected: yes.
Comment: Missense variants in the TTN gene are considered 'unclassified' if they are not previously reported in the literature and do not have >1% frequency in the population to be considered a polymorphism. Research indicates that truncating mutations in the TTN gene are expected to account for approximately 25% of familial and 18% of sporadic idiopathic DCM; however, truncating variants in the TTN gene have been reported in approximately 3% of reported control alleles. There has been little investigation into non-truncating variants. (Herman D et al. Truncations of titin causing dilated cardiomyopathy. N Eng J Med 366:619-628, 2012) The variant is found in DCM-CRDM panel(s).

NM_133379.5(TTN):c.14881C>T (p.Arg4961Cys)

Genes: TTN (titin; minus strand), LOC126806432 (CDK7 strongly-dependent group 2 enhancer GRCh37_chr2:179611985-179613184; plus strand). Cytogenetic location: 2q31.2.
Variant type: single nucleotide variant.
Coding change: c.14881C>T on transcript NM_133379.5; coding-DNA position 14881, C replaced by T.
Protein change: p.Arg4961Cys; replaces arginine 4961 with cysteine.
Molecular consequence: missense variant. On other transcripts: intron variant (6).
Genome position (GRCh38, 1-based): chr2:178,747,519, G>A on the plus strand (C>T on the coding strand, the complement: TTN is on the minus strand). VCF-style: chr2-178747519-G-A. GRCh37 (hg19) VCF-style: chr2-179612246-G-A.
Other names: p.R4961C:CGT>TGT; c.10361-5598C>T (NM_001256850.1); c.10223-5598C>T (NM_003319.4); c.10799-5598C>T (NM_133437.4); c.10598-5598C>T (NM_133432.3); c.10360+5605C>T (NM_133378.4); c.11312-5598C>T (NM_001267550.2); short protein forms R4961C.
Identifiers: ClinVar variation 166256 (VCV000166256.7), dbSNP rs565101305, ClinGen allele CA179088.